The following is an entry in ClinVar:

NM_001854.4(COL11A1):c.5274+4A>C

Genes: COL11A1 (collagen type XI alpha 1 chain; minus strand), LOC126805814 (P300/CBP strongly-dependent group 1 enhancer GRCh37_chr1:103344928-103346127; plus strand). Cytogenetic location: 1p21.1.
Variant type: single nucleotide variant.
Coding change: c.5274+4A>C on transcript NM_001854.4 (MANE Select); 4 bases into the intron after coding-DNA position 5274, A replaced by C.
Molecular consequence: intron variant.
Genome position (GRCh38, 1-based): chr1:102,879,679, T>G on the plus strand (A>C on the coding strand, the complement: COL11A1 is on the minus strand). VCF-style: chr1-102879679-T-G. GRCh37 (hg19) VCF-style: chr1-103345235-T-G.
Other names: c.5157+4A>C (NM_001190709.2); c.5310+4A>C (NM_080629.3); c.4926+4A>C (NM_080630.4).
Identifiers: ClinVar variation 1065087 (VCV001065087.6), dbSNP rs753930720, ClinGen allele CA973276.

ClinVar aggregate classification (germline): Uncertain significance. Review status: criteria provided, multiple submitters, no conflicts (2 of 4 stars). 2 submissions from 2 submitters: Uncertain significance (2). Last evaluated 2023-09-21.

Conditions:
Hearing impairment. Also called: Impaired Hearing. Identifiers: MedGen C1384666, MONDO:0005365, HP:0000365.

Allele frequency attached by ClinVar (database versions not stated): ExAC 0.00001; TOPMed 0.00001.
gnomAD v4.1: 1 of 1,612,012 alleles (0.000062%); highest among the groups gnomAD compares: Non-Finnish European, 0.000085%; no homozygotes.

Submissions (2):

Labcorp Genetics (formerly Invitae), Labcorp
Classification: Uncertain significance. Last evaluated: 2023-09-21. Review status: criteria provided, single submitter. Criteria: Invitae Variant Classification Sherloc (09022015). Collection method: clinical testing. Allele origin: germline.
Comment: This sequence change falls in intron 66 of the COL11A1 gene. It does not directly change the encoded amino acid sequence of the COL11A1 protein. It affects a nucleotide within the consensus splice site. In summary, the available evidence is currently insufficient to determine the role of this variant in disease. Therefore, it has been classified as a Variant of Uncertain Significance. Variants that disrupt the consensus splice site are a relatively common cause of aberrant splicing (PMID: 17576681, 9536098). Algorithms developed to predict the effect of sequence changes on RNA splicing suggest that this variant is not likely to affect RNA splicing. ClinVar contains an entry for this variant (Variation ID: 1065087). This variant has not been reported in the literature in individuals affected with COL11A1-related conditions. This variant is present in population databases (rs753930720, gnomAD 0.0009%).

Department of Otolaryngology – Head & Neck Surgery, Cochlear Implant Center
Classification: Uncertain significance for Hearing impairment. Last evaluated: 2021-04-12. Review status: criteria provided, single submitter. Criteria: ClinGen HL ACMG Specifications v1. Collection method: clinical testing. Allele origin: germline. Affected: yes.
Comment: PM2_Moderate

Literature cited by the submitters: PubMed 17576681 (cited by Labcorp Genetics (formerly Invitae), Labcorp); PubMed 9536098 (cited by Labcorp Genetics (formerly Invitae), Labcorp).